The following is an entry in ClinVar:

ClinVar aggregate classification (germline): Uncertain significance. Review status: criteria provided, multiple submitters, no conflicts (2 of 4 stars). 2 submissions from 2 submitters: Uncertain significance (2). Last evaluated 2024-04-08.

Conditions:
Emery-Dreifuss muscular dystrophy 5, autosomal dominant (EDMD5). Also called: EMERY-DREIFUSS MUSCULAR DYSTROPHY 5. Identifiers: Orphanet 261, MedGen C2751805, MONDO:0013072, OMIM 612999.

Allele frequency attached by ClinVar (database versions not stated): ExAC 0.00001; gnomAD 0.00001; gnomAD exomes 0.00001; TOPMed 0.00002; 1000 Genomes Project 0.00020; 1000 Genomes Project 30x 0.00031.
gnomAD v4.1: 20 of 1,614,094 alleles (0.0012%); highest among the groups gnomAD compares: African/African-American, 0.004%; no homozygotes.

Submissions (2):

Ambry Genetics
Classification: Uncertain significance. Last evaluated: 2024-04-08. Review status: criteria provided, single submitter. Criteria: Ambry Variant Classification Scheme 2023. Collection method: clinical testing. Allele origin: germline.

Labcorp Genetics (formerly Invitae), Labcorp
Classification: Uncertain significance for Emery-Dreifuss muscular dystrophy 5, autosomal dominant. Last evaluated: 2022-07-26. Review status: criteria provided, single submitter. Criteria: Invitae Variant Classification Sherloc (09022015). Collection method: clinical testing. Allele origin: germline.
Comment: In summary, the available evidence is currently insufficient to determine the role of this variant in disease. Therefore, it has been classified as a Variant of Uncertain Significance. Algorithms developed to predict the effect of missense changes on protein structure and function are either unavailable or do not agree on the potential impact of this missense change (SIFT: "Deleterious"; PolyPhen-2: "Possibly Damaging"; Align-GVGD: "Class C0"). ClinVar contains an entry for this variant (Variation ID: 1383879). This variant has not been reported in the literature in individuals affected with SYNE2-related conditions. This variant is present in population databases (rs139513761, gnomAD 0.007%). This sequence change replaces isoleucine, which is neutral and non-polar, with threonine, which is neutral and polar, at codon 1453 of the SYNE2 protein (p.Ile1453Thr).

NM_182914.3(SYNE2):c.4358T>C (p.Ile1453Thr)

Gene: SYNE2 (spectrin repeat containing nuclear envelope protein 2; plus strand). Cytogenetic location: 14q23.2.
Variant type: single nucleotide variant.
Coding change: c.4358T>C on transcript NM_182914.3 (MANE Select); coding-DNA position 4358, T replaced by C.
Protein change: p.Ile1453Thr; replaces isoleucine 1453 with threonine.
Molecular consequence: missense variant.
Genome position (GRCh38, 1-based): chr14:64,003,291, T>C. VCF-style: chr14-64003291-T-C. GRCh37 (hg19) VCF-style: chr14-64470009-T-C.
Other names: c.4358T>C, p.Ile1453Thr (NM_015180.6); c.4358T>C (NM_182914.2); short protein forms I1453T.
Identifiers: ClinVar variation 1383879 (VCV001383879.9), dbSNP rs139513761, ClinGen allele CA7220185.